The following is an entry in ClinVar:

ClinVar aggregate classification (germline): Uncertain significance (1 of 4 stars; one submission).

Submission:

Laboratory for Molecular Medicine, Mass General Brigham Personalized Medicine
Classification: Uncertain significance. Last evaluated: 2012-05-04. Review status: criteria provided, single submitter. Criteria: LMM Criteria. Collection method: clinical testing. Allele origin: germline. Observed: 1 variant allele.
Comment: The Ile4492Met variant in TTN has not been reported in the literature nor previo usly identified by our laboratory. This variant has not been identified in a 2 l arge and broad populations (European American and African American) by the NHLBI Exome Sequencing Project. This low frequency is consistent with a disease causing role but insufficient to establish this wi th confidence. Isoleucine (Ile) at position 4492 is conserved in evolution, sugg esting that a change would not be tolerated. Other computational analyses (bioch emical amino acid properties, AlignGVGD, PolyPhen2, and SIFT) do not provide str ong support for or against an impact to the protein. Additional information is n eeded to fully assess the clinical significance of the Ile4492Met variant.

NM_001267550.2(TTN):c.17208C>G (p.Ile5736Met)

Genes: TTN (titin; minus strand), LOC126806431 (CDK7 strongly-dependent group 2 enhancer GRCh37_chr2:179595719-179596918; plus strand). Cytogenetic location: 2q31.2.
Variant type: single nucleotide variant.
Coding change: c.17208C>G on transcript NM_001267550.2 (MANE Select); coding-DNA position 17208, C replaced by G.
Protein change: p.Ile5736Met; replaces isoleucine 5736 with methionine.
Molecular consequence: missense variant. On other transcripts: intron variant (3).
Genome position (GRCh38, 1-based): chr2:178,731,558, G>C on the plus strand (C>G on the coding strand, the complement: TTN is on the minus strand). VCF-style: chr2-178731558-G-C. GRCh37 (hg19) VCF-style: chr2-179596285-G-C.
Other names: c.16257C>G, p.Ile5419Met (NM_001256850.1); c.13282+6524C>G (NM_003319.4); c.13858+6524C>G (NM_133437.4); c.13657+6524C>G (NM_133432.3); c.13476C>G, p.Ile4492Met (NM_133378.4); short protein forms I5736M, I4492M, I5419M.
Identifiers: ClinVar variation 46624 (VCV000046624.5), dbSNP rs397517484, ClinGen allele CA138787.
Genomic context (GRCh38, chr2:178,731,558, plus strand): 5'-GGAGCCCTTCAGAGTGGCCTGGAAGGCAGCTGTGCCTCCCCGGAGGGAGCTGGTACTCTC[G>C]ATCTTCTTTATGAAGGATGGGGGTTCTAACAGAAGAATGAATTCTCAATCAATATTATCC-3'
Protein context (NP_001254479.2, residues 5726-5746): LREPPSFIKK[Ile5736Met]ESTSSLRGGT